The following is an entry in ClinVar:

ClinVar aggregate classification (germline): Likely benign. Review status: criteria provided, multiple submitters, no conflicts (2 of 4 stars). 5 submissions from 5 submitters: Likely benign (5). Last evaluated 2026-02-09.

Conditions:
Acrocallosal syndrome (ACLS). Also called: HALLUX DUPLICATION, POSTAXIAL POLYDACTYLY, AND ABSENCE OF CORPUS CALLOSUM; Schinzel syndrome 1; Absence of corpus callosum with unusual facial appearance, mental deficiency, duplication of the halluces and polydactyly. Identifiers: Orphanet 36, MedGen C0796147, MONDO:0008708, OMIM 200990.
KIF7-related disorder. Also called: KIF7-related condition.

Allele frequency attached by ClinVar (database versions not stated): gnomAD 0.00004; TOPMed 0.00006.
gnomAD v4.1: 127 of 1,547,882 alleles (0.0082%); highest among the groups gnomAD compares: Non-Finnish European, 0.01%; no homozygotes.

Submissions (5):

PreventionGenetics, part of Exact Sciences
Classification: Likely benign for KIF7-related condition. Last evaluated: 2026-02-09. Review status: criteria provided, single submitter. Criteria: ACMG Guidelines, 2015. Collection method: clinical testing. Allele origin: germline.
Comment: This variant is classified as likely benign based on ACMG/AMP sequence variant interpretation guidelines (Richards et al. 2015 PMID: 25741868, with internal and published modifications).

Labcorp Genetics (formerly Invitae), Labcorp
Classification: Likely benign for Acrocallosal syndrome. Last evaluated: 2025-12-23. Review status: criteria provided, single submitter. Criteria: Invitae Variant Classification Sherloc (09022015). Collection method: clinical testing. Allele origin: germline.

Blueprint Genetics
Classification: Likely benign. Last evaluated: 2024-08-02. Review status: criteria provided, single submitter. Criteria: ACMG Guidelines, 2015. Collection method: clinical testing. Allele origin: germline.

CeGaT Center for Human Genetics Tuebingen
Classification: Likely benign. Last evaluated: 2023-01-01. Review status: criteria provided, single submitter. Criteria: CeGaT Center For Human Genetics Tuebingen Variant Classification Criteria Version 2. Collection method: clinical testing. Allele origin: germline. Affected: yes. Observed: 1 variant allele.
Comment: KIF7: BP4, BP7

GeneDx
Classification: Likely benign. Last evaluated: 2016-05-20. Review status: criteria provided, single submitter. Criteria: GeneDx Variant Classification (06012015). Collection method: clinical testing. Allele origin: germline. Affected: yes.
Comment: This variant is considered likely benign or benign based on one or more of the following criteria: it is a conservative change, it occurs at a poorly conserved position in the protein, it is predicted to be benign by multiple in silico algorithms, and/or has population frequency not consistent with disease.

NM_198525.3(KIF7):c.759G>T (p.Leu253=)

Gene: KIF7 (kinesin family member 7; minus strand). Cytogenetic location: 15q26.1.
Variant type: single nucleotide variant.
Coding change: c.759G>T on transcript NM_198525.3 (MANE Select); coding-DNA position 759, G replaced by T.
Protein change: p.Leu253=; no amino-acid change (leucine 253 retained).
Molecular consequence: synonymous variant.
Genome position (GRCh38, 1-based): chr15:89,649,138, C>A on the plus strand (G>T on the coding strand, the complement: KIF7 is on the minus strand). VCF-style: chr15-89649138-C-A. GRCh37 (hg19) VCF-style: chr15-90192369-C-A.
Identifiers: ClinVar variation 386239 (VCV000386239.32), dbSNP rs1057522458, ClinGen allele CA16607080.